The following is an entry in ClinVar:

NM_000051.4(ATM):c.5177+2T>C

Gene: ATM (ATM serine/threonine kinase; plus strand). Cytogenetic location: 11q22.3.
Variant type: single nucleotide variant.
Coding change: c.5177+2T>C on transcript NM_000051.4 (MANE Select); the canonical splice donor site of the intron after coding-DNA position 5177, T replaced by C.
Molecular consequence: splice donor variant.
Genome position (GRCh38, 1-based): chr11:108,299,887, T>C. VCF-style: chr11-108299887-T-C. GRCh37 (hg19) VCF-style: chr11-108170614-T-C.
Other names: c.5177+2T>C (NM_001351834.2).
Identifiers: ClinVar variation 1745825 (VCV001745825.5), dbSNP rs2135893427, ClinGen allele CA382541274.

ClinVar aggregate classification (germline): Likely pathogenic. Review status: criteria provided, multiple submitters, no conflicts (2 of 4 stars). 3 submissions from 3 submitters: Likely pathogenic (3). Last evaluated 2024-09-24.

Conditions:
Ataxia-telangiectasia syndrome (AT). Also called: Ataxia-telangiectasia, complementation group D; AT, COMPLEMENTATION GROUP C; ATAXIA-TELANGIECTASIA, COMPLEMENTATION GROUP A; ATAXIA-TELANGIECTASIA, FRESNO VARIANT; Ataxia-telangiectasia; Ataxia telangiectasia (A-T). Identifiers: Orphanet 100, MedGen C0004135, MONDO:0008840, OMIM 208900.
Hereditary cancer-predisposing syndrome. Also called: Tumor predisposition; Neoplastic Syndromes, Hereditary; Hereditary Cancer Syndrome; Hereditary neoplastic syndrome. Identifiers: Orphanet 140162, MedGen C0027672, MeSH D009386, MONDO:0015356.
Familial cancer of breast. Also called: Hereditary breast cancer; hereditary breast carcinoma; BREAST CANCER, FAMILIAL. Identifiers: Orphanet 227535, MedGen C0346153, MONDO:0016419, OMIM 114480. Disease mechanism: loss of function.

Allele frequency attached by ClinVar (database versions not stated): gnomAD exomes below 0.00001.
gnomAD v4.1: 1 of 1,612,624 alleles (0.000062%); highest among the groups gnomAD compares: Non-Finnish European, 0.000085%; no homozygotes.

Submissions (3):

Labcorp Genetics (formerly Invitae), Labcorp
Classification: Likely pathogenic for Ataxia-telangiectasia syndrome. Last evaluated: 2024-09-24. Review status: criteria provided, single submitter. Criteria: Invitae Variant Classification Sherloc (09022015). Collection method: clinical testing. Allele origin: germline.
Comment: This sequence change affects a donor splice site in intron 34 of the ATM gene. It is expected to disrupt RNA splicing. Variants that disrupt the donor or acceptor splice site typically lead to a loss of protein function (PMID: 16199547), and loss-of-function variants in ATM are known to be pathogenic (PMID: 23807571, 25614872). This variant is not present in population databases (gnomAD no frequency). Disruption of this splice site has been observed in individual(s) with ataxia-telangiectasia (PMID: 26896183). ClinVar contains an entry for this variant (Variation ID: 1745825). Algorithms developed to predict the effect of sequence changes on RNA splicing suggest that this variant may disrupt the consensus splice site. In summary, the currently available evidence indicates that the variant is pathogenic, but additional data are needed to prove that conclusively. Therefore, this variant has been classified as Likely Pathogenic.

Ambry Genetics
Classification: Likely pathogenic for Hereditary cancer-predisposing syndrome. Last evaluated: 2022-07-15. Review status: criteria provided, single submitter. Criteria: Ambry Variant Classification Scheme 2023. Collection method: clinical testing. Allele origin: germline.
Comment: The c.5177+2T>C intronic variant results from a T to C substitution two nucleotides after coding exon 33 in the ATM gene. This nucleotide position is highly conserved in available vertebrate species. In silico splice site analysis predicts that this alteration will weaken the native splice donor site. RNA studies have demonstrated that this alteration results in abnormal splicing in the set of samples tested (Ambry internal data). Alterations that disrupt the canonical splice site are expected to cause aberrant splicing, resulting in an abnormal protein or a transcript that is subject to nonsense-mediated mRNA decay. Based on the majority of available evidence to date, this variant is likely to be pathogenic.

Genesis Genomics
Classification: Likely pathogenic for Familial cancer of breast. Review status: criteria provided, single submitter. Criteria: ACMG Guidelines, 2015. Collection method: clinical testing. Allele origin: germline. Affected: yes. Observed: 1 variant allele.

Literature cited by the submitters: PubMed 16199547 (cited by Labcorp Genetics (formerly Invitae), Labcorp); PubMed 23807571 (cited by Labcorp Genetics (formerly Invitae), Labcorp); PubMed 25614872 (cited by Labcorp Genetics (formerly Invitae), Labcorp); PubMed 26896183 (cited by Labcorp Genetics (formerly Invitae), Labcorp).